The following is an entry in ClinVar:

NM_003105.6(SORL1):c.6248A>G (p.Lys2083Arg)

Gene: SORL1 (sortilin related receptor 1; plus strand). Cytogenetic location: 11q24.1.
Variant type: single nucleotide variant.
Coding change: c.6248A>G on transcript NM_003105.6 (MANE Select); coding-DNA position 6248, A replaced by G.
Protein change: p.Lys2083Arg; replaces lysine 2083 with arginine.
Molecular consequence: missense variant.
Genome position (GRCh38, 1-based): chr11:121,625,161, A>G. VCF-style: chr11-121625161-A-G. GRCh37 (hg19) VCF-style: chr11-121495870-A-G.
Other names: short protein forms K2083R.
Identifiers: ClinVar variation 773018 (VCV000773018.12), dbSNP rs74811057, ClinGen allele CA6330220.

ClinVar aggregate classification (germline): Benign. Review status: criteria provided, multiple submitters, no conflicts (2 of 4 stars). 3 submissions from 3 submitters: Benign (3). Last evaluated 2025-12-09.

Conditions:
SORL1-related disorder. Also called: SORL1-related condition.

Allele frequency attached by ClinVar (database versions not stated): gnomAD exomes 0.00295; ExAC 0.00373; 1000 Genomes Project 30x 0.01109; 1000 Genomes Project 0.01118; gnomAD 0.01206 and 0.01294; TOPMed 0.01293; ESP Exome Variant Server 0.01323.
gnomAD v4.1: 3,558 of 1,613,922 alleles (0.22%); highest among the groups gnomAD compares: African/African-American, 4.1%; 72 homozygotes.

Submissions (3):

Labcorp Genetics (formerly Invitae), Labcorp
Classification: Benign. Last evaluated: 2025-12-09. Review status: criteria provided, single submitter. Criteria: Invitae Variant Classification Sherloc (09022015). Collection method: clinical testing. Allele origin: germline.

PreventionGenetics, part of Exact Sciences
Classification: Benign for SORL1-related condition. Last evaluated: 2024-12-06. Review status: criteria provided, single submitter. Criteria: ACMG Guidelines, 2015. Collection method: clinical testing. Allele origin: germline.
Comment: This variant is classified as benign based on ACMG/AMP sequence variant interpretation guidelines (Richards et al. 2015 PMID: 25741868, with internal and published modifications).

Breakthrough Genomics
Classification: Benign. Review status: criteria provided, single submitter. Criteria: ACMG Guidelines, 2015. Collection method: not provided. Allele origin: germline. Inheritance: Unknown mechanism. Affected: yes.